The following is an entry in ClinVar:

NM_017617.5(NOTCH1):c.2125C>T (p.His709Tyr)

Gene: NOTCH1 (notch receptor 1; minus strand). Cytogenetic location: 9q34.3.
Variant type: single nucleotide variant.
Coding change: c.2125C>T on transcript NM_017617.5 (MANE Select); coding-DNA position 2125, C replaced by T.
Protein change: p.His709Tyr; replaces histidine 709 with tyrosine.
Molecular consequence: missense variant.
Genome position (GRCh38, 1-based): chr9:136,514,592, G>A on the plus strand (C>T on the coding strand, the complement: NOTCH1 is on the minus strand). VCF-style: chr9-136514592-G-A. GRCh37 (hg19) VCF-style: chr9-139409044-G-A.
Other names: short protein forms H709Y.
Identifiers: ClinVar variation 4861115 (VCV004861115.1).

ClinVar aggregate classification (germline): Uncertain significance (1 of 4 stars; one submission).

Conditions:
Familial thoracic aortic aneurysm and aortic dissection (TAAD). Also called: Thoracic aortic aneurysms and dissections. Identifiers: Orphanet 91387, MedGen C4707243, MONDO:0019625.

Submission:

Ambry Genetics
Classification: Uncertain significance for Familial thoracic aortic aneurysm and aortic dissection. Last evaluated: 2026-05-12. Review status: criteria provided, single submitter. Criteria: Ambry Variant Classification Scheme 2023. Collection method: clinical testing. Allele origin: germline.
Comment: The p.H709Y variant (also known as c.2125C>T), located in coding exon 13 of the NOTCH1 gene, results from a C to T substitution at nucleotide position 2125. The histidine at codon 709 is replaced by tyrosine, an amino acid with similar properties. This amino acid position is well conserved in available vertebrate species. In addition, the in silico prediction for this alteration is inconclusive. Based on the available evidence, the clinical significance of this variant remains unclear.